The following is an entry in ClinVar:

NM_022437.3(ABCG8):c.683T>C (p.Leu228Pro)

Gene: ABCG8 (ATP binding cassette subfamily G member 8; plus strand). Cytogenetic location: 2p21.
Variant type: single nucleotide variant.
Coding change: c.683T>C on transcript NM_022437.3 (MANE Select); coding-DNA position 683, T replaced by C.
Protein change: p.Leu228Pro; replaces leucine 228 with proline.
Molecular consequence: missense variant.
Genome position (GRCh38, 1-based): chr2:43,852,475, T>C. VCF-style: chr2-43852475-T-C. GRCh37 (hg19) VCF-style: chr2-44079614-T-C.
Other names: c.683T>C, p.Leu228Pro (NM_001357321.2); short protein forms L228P.
Identifiers: ClinVar variation 4278254 (VCV004278254.2).

ClinVar aggregate classification (germline): Uncertain significance. Review status: criteria provided, multiple submitters, no conflicts (2 of 4 stars). 2 submissions from 2 submitters: Uncertain significance (2). Last evaluated 2025-10-21.

Conditions:
Sitosterolemia 1. Identifiers: MedGen C2749759, MONDO:0020747, OMIM 210250.

Submissions (2):

Labcorp Genetics (formerly Invitae), Labcorp
Classification: Uncertain significance. Last evaluated: 2025-10-21. Review status: criteria provided, single submitter. Criteria: Invitae Variant Classification Sherloc (09022015). Collection method: clinical testing. Allele origin: germline.
Comment: This sequence change replaces leucine, which is neutral and non-polar, with proline, which is neutral and non-polar, at codon 228 of the ABCG8 protein (p.Leu228Pro). This variant is not present in population databases (gnomAD no frequency). This missense change has been observed in individual(s) with sitosterolemia (PMID: 34969652, 38509578). Invitae Evidence Modeling of protein sequence and biophysical properties (such as structural, functional, and spatial information, amino acid conservation, physicochemical variation, residue mobility, and thermodynamic stability) indicates that this missense variant is expected to disrupt ABCG8 protein function with a positive predictive value of 80%. In summary, the available evidence is currently insufficient to determine the role of this variant in disease. Therefore, it has been classified as a Variant of Uncertain Significance.

Genomic Medicine Center of Excellence, King Faisal Specialist Hospital and Research Centre
Classification: Uncertain significance for Sitosterolemia 1. Last evaluated: 2025-09-10. Review status: criteria provided, single submitter. Criteria: ACMG Guidelines, 2015. Collection method: clinical testing. Allele origin: germline.

Literature cited by the submitters: PubMed 34969652 (cited by Labcorp Genetics (formerly Invitae), Labcorp); PubMed 38509578 (cited by Labcorp Genetics (formerly Invitae), Labcorp).